The following is an entry in ClinVar:

NM_000191.3(HMGCL):c.920G>A (p.Cys307Tyr)

Gene: HMGCL (3-hydroxy-3-methylglutaryl-CoA lyase; minus strand). Cytogenetic location: 1p36.11.
Variant type: single nucleotide variant.
Coding change: c.920G>A on transcript NM_000191.3 (MANE Select); coding-DNA position 920, G replaced by A.
Protein change: p.Cys307Tyr; replaces cysteine 307 with tyrosine.
Molecular consequence: missense variant.
Genome position (GRCh38, 1-based): chr1:23,802,521, C>T on the plus strand (G>A on the coding strand, the complement: HMGCL is on the minus strand). VCF-style: chr1-23802521-C-T. GRCh37 (hg19) VCF-style: chr1-24129011-C-T.
Other names: c.707G>A, p.Cys236Tyr (NM_001166059.2); short protein forms C307Y, C236Y.
Identifiers: ClinVar variation 2075643 (VCV002075643.4), dbSNP rs1557484669, ClinGen allele CA339019729.

ClinVar aggregate classification (germline): Uncertain significance (1 of 4 stars; one submission).

Conditions:
Deficiency of hydroxymethylglutaryl-CoA lyase (HMGCLD). Also called: Defect in leucine metabolism; 3-hydroxy-3-methylglutaric aciduria; HMGCL DEFICIENCY; HYDROXYMETHYLGLUTARIC ACIDURIA; HMG-CoA LYASE DEFICIENCY. Identifiers: Orphanet 20, MedGen C1533587, MONDO:0009520, OMIM 246450.

Allele frequency attached by ClinVar (database versions not stated): TOPMed 0.00001.

Submission:

Labcorp Genetics (formerly Invitae), Labcorp
Classification: Uncertain significance for Deficiency of hydroxymethylglutaryl-CoA lyase. Last evaluated: 2023-05-15. Review status: criteria provided, single submitter. Criteria: Invitae Variant Classification Sherloc (09022015). Collection method: clinical testing. Allele origin: germline.
Comment: This sequence change replaces cysteine, which is neutral and slightly polar, with tyrosine, which is neutral and polar, at codon 307 of the HMGCL protein (p.Cys307Tyr). This variant has not been reported in the literature in individuals affected with HMGCL-related conditions. This variant is present in population databases (no rsID available, gnomAD 0.003%). In summary, the available evidence is currently insufficient to determine the role of this variant in disease. Therefore, it has been classified as a Variant of Uncertain Significance. Advanced modeling of protein sequence and biophysical properties (such as structural, functional, and spatial information, amino acid conservation, physicochemical variation, residue mobility, and thermodynamic stability) has been performed at Invitae for this missense variant, however the output from this modeling did not meet the statistical confidence thresholds required to predict the impact of this variant on HMGCL protein function. ClinVar contains an entry for this variant (Variation ID: 2075643).